The following is an entry in ClinVar:

ClinVar aggregate classification (germline): Likely pathogenic (1 of 4 stars; one submission).

Conditions:
alpha Thalassemia. Also called: Alpha thalassemia spectrum. Identifiers: Orphanet 846, MedGen C0002312, MONDO:0011399, OMIM 604131.

Submission:

Natera, Inc.
Classification: Likely pathogenic for Alpha thalassemia. Last evaluated: 2026-01-18. Review status: criteria provided, single submitter. Criteria: Natera Variant Classification Schema (03/2026). Collection method: clinical testing. Allele origin: germline.
Comment: The c.132_159del variant in HBA2 is a frameshift variant predicted to shift the reading frame beginning at codon 44 and leads to a stop codon 15 codons downstream. This variant is expected to result in nonsense mediated decay, truncation, or a dysfunctional protein product. This variant is rare in the general population with a frequency below the threshold expected for the associated phenotype(s). Given the available evidence, this variant is classified as Likely Pathogenic.

NM_000517.6(HBA2):c.132_159del (p.Phe44fs)

Genes: HBA2 (hemoglobin subunit alpha 2; plus strand), LOC106804612 (hemoglobin subunit alpha 2 recombination region; plus strand). Cytogenetic location: 16p13.3.
Variant type: Deletion.
Coding change: c.132_159del on transcript NM_000517.6 (MANE Select); coding-DNA positions 132 to 159, 28 bases deleted (CCCGCACTTCGACCTGAGCCACGGCTCT).
Protein change: p.Phe44fs; shifts the reading frame from phenylalanine 44.
Molecular consequence: frameshift variant.
Genome position (GRCh38, 1-based): chr16:173,161-173,188, CCCGCACTTCGACCTGAGCCACGGCTCT deleted; deleting any 28 consecutive bases within chr16:173,160-173,188 gives the same sequence; the c. name uses the placement nearest the transcript's 3' end. VCF-style (leftmost placement, unchanged base first): chr16-173159-TTCCCGCACTTCGACCTGAGCCACGGCTC-T. GRCh37 (hg19) VCF-style: chr16-223158-TTCCCGCACTTCGACCTGAGCCACGGCTC-T.
Other names: short protein forms F44fs.
Identifiers: ClinVar variation 4818623 (VCV004818623.1).